The following is an entry in ClinVar:

ClinVar aggregate classification (germline): Uncertain significance (1 of 4 stars; one submission).

Allele frequency attached by ClinVar (database versions not stated): gnomAD exomes 0.00001 and 0.00005; TOPMed 0.00002; gnomAD 0.00005 and 0.00006.
gnomAD v4.1: 84 of 1,613,692 alleles (0.0052%); highest among the groups gnomAD compares: Non-Finnish European, 0.0065%; no homozygotes.

Submission:

Labcorp Genetics (formerly Invitae), Labcorp
Classification: Uncertain significance. Last evaluated: 2021-08-14. Review status: criteria provided, single submitter. Criteria: Invitae Variant Classification Sherloc (09022015). Collection method: clinical testing. Allele origin: germline.
Comment: This sequence change replaces histidine with arginine at codon 1009 of the C2CD3 protein (p.His1009Arg). The histidine residue is weakly conserved and there is a small physicochemical difference between histidine and arginine. This variant is not present in population databases (ExAC no frequency). This variant has not been reported in the literature in individuals affected with C2CD3-related conditions. Algorithms developed to predict the effect of missense changes on protein structure and function output the following: SIFT: "Tolerated"; PolyPhen-2: "Benign"; Align-GVGD: "Class C0". The arginine amino acid residue is found in multiple mammalian species, which suggests that this missense change does not adversely affect protein function. In summary, the available evidence is currently insufficient to determine the role of this variant in disease. Therefore, it has been classified as a Variant of Uncertain Significance.

NM_001286577.2(C2CD3):c.3026A>G (p.His1009Arg)

Gene: C2CD3 (C2 domain containing 3 centriole elongation regulator; minus strand). Cytogenetic location: 11q13.4.
Variant type: single nucleotide variant.
Coding change: c.3026A>G on transcript NM_001286577.2 (MANE Select); coding-DNA position 3026, A replaced by G.
Protein change: p.His1009Arg; replaces histidine 1009 with arginine.
Molecular consequence: missense variant.
Genome position (GRCh38, 1-based): chr11:74,095,362, T>C on the plus strand (A>G on the coding strand, the complement: C2CD3 is on the minus strand). VCF-style: chr11-74095362-T-C. GRCh37 (hg19) VCF-style: chr11-73806407-T-C.
Other names: c.3026A>G, p.His1009Arg (NM_015531.6); short protein forms H1009R.
Identifiers: ClinVar variation 1404417 (VCV001404417.5), dbSNP rs572627915, ClinGen allele CA224512853.
Genomic context (GRCh38, chr11:74,095,362, plus strand): 5'-CAATCTGCTTCTCCCCAGACTGTTGCCTGAAGAGGGGCTAGCCCTTTAACCATCTCTATA[T>C]GGATCTCAAAGCAGTGCTCCATCAGTCCATTTCCTCGGTCCTCTGCCTATTAAATGAAAC-3'
Protein context (NP_001273506.1, residues 999-1019): NGLMEHCFEI[His1009Arg]IEMVKGLAPL